The following is an entry in ClinVar:

ClinVar aggregate classification (germline): Uncertain significance (1 of 4 stars; one submission).

Submission:

Labcorp Genetics (formerly Invitae), Labcorp
Classification: Uncertain significance. Last evaluated: 2025-10-22. Review status: criteria provided, single submitter. Criteria: Invitae Variant Classification Sherloc (09022015). Collection method: clinical testing. Allele origin: germline.
Comment: This sequence change replaces glycine, which is neutral and non-polar, with arginine, which is basic and polar, at codon 309 of the SUCLG2 protein (p.Gly309Arg). This variant is not present in population databases (gnomAD no frequency). This variant has not been reported in the literature in individuals affected with SUCLG2-related conditions. An algorithm developed to predict the effect of missense changes on protein structure and function (PolyPhen-2) suggests that this variant is likely to be disruptive. In summary, the available evidence is currently insufficient to determine the role of this variant in disease. Therefore, it has been classified as a Variant of Uncertain Significance.

NM_003848.4(SUCLG2):c.925G>C (p.Gly309Arg)

Gene: SUCLG2 (succinate-CoA ligase GDP-forming subunit beta; minus strand). Cytogenetic location: 3p14.1.
Variant type: single nucleotide variant.
Coding change: c.925G>C on transcript NM_003848.4 (MANE Select); coding-DNA position 925, G replaced by C.
Protein change: p.Gly309Arg; replaces glycine 309 with arginine.
Molecular consequence: missense variant.
Genome position (GRCh38, 1-based): chr3:67,495,935, C>G on the plus strand (G>C on the coding strand, the complement: SUCLG2 is on the minus strand). VCF-style: chr3-67495935-C-G. GRCh37 (hg19) VCF-style: chr3-67546359-C-G.
Other names: c.925G>C, p.Gly309Arg (NM_001177599.2); short protein forms G309R.
Identifiers: ClinVar variation 4771167 (VCV004771167.1).